The following is an entry in ClinVar:

ClinVar aggregate classification (germline): Pathogenic (1 of 4 stars; one submission).

Submission:

Genetics Laboratory, UDIAT-Centre Diagnòstic, Hospital Universitari Parc Tauli
Classification: Pathogenic. Last evaluated: 2021-04-26. Review status: criteria provided, single submitter. Criteria: Parc Tauli Hospital Assertion Criteria 2021. Collection method: clinical testing. Allele origin: de novo. Inheritance: Autosomal dominant inheritance. Affected: yes. Observed: 1 heterozygote.
Comment: PVS1_very strong;PM2_supporting;PM6_moderate;PP3_supporting

NM_013275.6(ANKRD11):c.1523del (p.Val508fs)

Gene: ANKRD11 (ankyrin repeat domain containing 11; minus strand). Cytogenetic location: 16q24.3.
Variant type: Deletion.
Coding change: c.1523del on transcript NM_013275.6 (MANE Select); coding-DNA position 1523, one base deleted (T; older notation c.1523delT).
Protein change: p.Val508fs; shifts the reading frame from valine 508.
Molecular consequence: frameshift variant.
Genome position (GRCh38, 1-based): chr16:89,285,019, A deleted on the plus strand (T on the coding strand, the reverse complement: ANKRD11 is on the minus strand). VCF-style (leftmost placement, unchanged base first): chr16-89285018-CA-C. GRCh37 (hg19) VCF-style: chr16-89351426-CA-C.
Other names: c.1523del, p.Val508fs (NM_001256182.2, NM_001256183.2); short protein forms V508fs.
Identifiers: ClinVar variation 1098347 (VCV001098347.2), dbSNP rs2151763976, ClinGen allele CA2499223800.